The following is an entry in ClinVar:

ClinVar aggregate classification (germline): Uncertain significance (1 of 4 stars; one submission).

Conditions:
Bardet-Biedl syndrome (BBS). Identifiers: Orphanet 110, MedGen C0752166, MONDO:0015229.

Submission:

Labcorp Genetics (formerly Invitae), Labcorp
Classification: Uncertain significance for Bardet-Biedl syndrome. Last evaluated: 2021-07-04. Review status: criteria provided, single submitter. Criteria: Invitae Variant Classification Sherloc (09022015). Collection method: clinical testing. Allele origin: germline.
Comment: This sequence change replaces glutamic acid with glycine at codon 514 of the BBS4 protein (p.Glu514Gly). The glutamic acid residue is weakly conserved and there is a moderate physicochemical difference between glutamic acid and glycine. This variant is not present in population databases (ExAC no frequency). This variant has not been reported in the literature in individuals affected with BBS4-related conditions. Algorithms developed to predict the effect of missense changes on protein structure and function (SIFT, PolyPhen-2, Align-GVGD) all suggest that this variant is likely to be tolerated. In summary, the available evidence is currently insufficient to determine the role of this variant in disease. Therefore, it has been classified as a Variant of Uncertain Significance.

NM_033028.5(BBS4):c.1541A>G (p.Glu514Gly)

Gene: BBS4 (Bardet-Biedl syndrome 4; plus strand). Cytogenetic location: 15q24.1.
Variant type: single nucleotide variant.
Coding change: c.1541A>G on transcript NM_033028.5 (MANE Select); coding-DNA position 1541, A replaced by G.
Protein change: p.Glu514Gly; replaces glutamic acid 514 with glycine.
Molecular consequence: missense variant. On other transcripts: non-coding transcript variant (2).
Genome position (GRCh38, 1-based): chr15:72,737,568, A>G. VCF-style: chr15-72737568-A-G. GRCh37 (hg19) VCF-style: chr15-73029909-A-G.
Other names: c.1025A>G, p.Glu342Gly (NM_001252678.2); c.1472A>G, p.Glu491Gly (NM_001320665.2); short protein forms E342G, E491G, E514G.
Identifiers: ClinVar variation 1462921 (VCV001462921.8), dbSNP rs2065950720, ClinGen allele CA393081682.